The following is an entry in ClinVar:

ClinVar aggregate classification (germline): Conflicting classifications of pathogenicity. Review status: criteria provided, conflicting classifications (1 of 4 stars). 2 submissions from 2 submitters: Likely pathogenic (1); Uncertain significance (1). Last evaluated 2023-02-28.

Conditions:
FANCF-related disorder. Also called: FANCF-related condition.

Submissions (2):

Women's Health and Genetics/Laboratory Corporation of America, LabCorp
Classification: Uncertain significance. Last evaluated: 2023-02-28. Review status: criteria provided, single submitter. Criteria: LabCorp Variant Classification Summary - May 2015. Collection method: clinical testing. Allele origin: germline.
Comment: Variant summary: FANCF c.654_655delCC (p.Gln219ArgfsX46) results in a premature termination codon, predicted to cause a truncation of the encoded protein or absence of the protein. Truncations downstream of this position have been classified as uncertain significance by our laboratory and in ClinVar. The variant was absent in 246904 control chromosomes (gnomAD). The available data on variant occurrences in the general population are insufficient to allow any conclusion about variant significance. c.654_655delCC has not been reported in the literature in individuals affected with Fanconi Anemia. To our knowledge, no experimental evidence demonstrating an impact on protein function has been reported. No clinical diagnostic laboratories have submitted clinical-significance assessments for this variant to ClinVar after 2014. Based on the evidence outlined above, the variant was classified as uncertain significance.

Blueprint Genetics
Classification: Likely pathogenic for FANCF-related disorders. Last evaluated: 2022-10-27. Review status: criteria provided, single submitter. Criteria: ACMG Guidelines, 2015. Collection method: clinical testing. Allele origin: germline. Affected: yes. Observed: 2 variant alleles.

Literature cited by the submitters: PubMed 33084842 (cited by Women's Health and Genetics/Laboratory Corporation of America, LabCorp).

NM_022725.4(FANCF):c.654_655del (p.Gln219fs)

Gene: FANCF (FA complementation group F; minus strand). Cytogenetic location: 11p14.3.
Variant type: Deletion.
Coding change: c.654_655del on transcript NM_022725.4 (MANE Select); coding-DNA positions 654 to 655, 2 bases deleted (CC; older notation c.654_655delCC).
Protein change: p.Gln219fs; shifts the reading frame from glutamine 219.
Molecular consequence: frameshift variant.
Genome position (GRCh38, 1-based): chr11:22,625,156-22,625,157, GG deleted on the plus strand (CC on the coding strand, the reverse complement: FANCF is on the minus strand); deleting any 2 consecutive bases within chr11:22,625,156-22,625,159 gives the same sequence; the c. name uses the placement nearest the transcript's 3' end. VCF-style (leftmost placement, unchanged base first): chr11-22625155-TGG-T. GRCh37 (hg19) VCF-style: chr11-22646701-TGG-T.
Other names: c.654_655delCC (NM_022725.3); short protein forms Q219fs.
Identifiers: ClinVar variation 2445706 (VCV002445706.2), dbSNP rs2494864934, ClinGen allele CA2580082866.